The following is an entry in ClinVar:

ClinVar aggregate classification (germline): Pathogenic/Likely pathogenic. Review status: criteria provided, multiple submitters, no conflicts (2 of 4 stars). 25 submissions from 25 submitters: Pathogenic (17); Likely pathogenic (3). 5 of the submissions do not count toward it. Last evaluated 2026-02-18.

Conditions:
ALG6-related disorder. Also called: ALG6-related condition.
Fetal anomalies with a likely genetic cause.
Inborn genetic diseases. Identifiers: MedGen C0950123, MeSH D030342.
ALG6-congenital disorder of glycosylation 1C (CDG1C). Also called: CDG Ic; Congenital disorder of glycosylation, type Ic; CARBOHYDRATE-DEFICIENT GLYCOPROTEIN SYNDROME, TYPE I, WITH DEFICIENT GLYCOSYLATION OF DOLICHOL-LINKED OLIGOSACCHARIDE; CARBOHYDRATE-DEFICIENT GLYCOPROTEIN SYNDROME, TYPE V; Congenital disorder of glycosylation type 1C. Identifiers: Orphanet 79320, MedGen C2930997, MONDO:0011291, OMIM 603147.

Allele frequency attached by ClinVar (database versions not stated): TOPMed 0.00067; gnomAD 0.00065 and 0.00063; ExAC 0.00046; gnomAD exomes 0.00047 and 0.00090; ESP Exome Variant Server 0.00077.

Submissions 1 to 11 of 29:

Genetics Laboratory, Great Ormond Street Hospital NHS Foundation Trust, North Thames Genomic Laboratory Hub
Classification: Likely pathogenic for Fetal anomalies with a likely genetic cause. Last evaluated: 2026-02-18. Review status: criteria provided, single submitter. Criteria: ACGS Best Practice Guidelines for Variant Classification in Rare Disease 2024 v1.2. Collection method: clinical testing. Allele origin: germline. Affected: yes.
Comment: PM2_moderate, PS3_moderate, PM3_moderate, PP4_supporting

Labcorp Genetics (formerly Invitae), Labcorp
Classification: Pathogenic for ALG6-congenital disorder of glycosylation 1C. Last evaluated: 2026-02-01. Review status: criteria provided, single submitter. Criteria: Invitae Variant Classification Sherloc (09022015). Collection method: clinical testing. Allele origin: germline.
Comment: This sequence change falls in intron 4 of the ALG6 gene. It does not directly change the encoded amino acid sequence of the ALG6 protein. RNA analysis indicates that this variant induces altered splicing and likely results in a shortened protein product. This variant is present in population databases (rs199682486, gnomAD 0.09%), and has an allele count higher than expected for a pathogenic variant. This variant has been observed in individuals with congenital disorder of glycosylation 1c (PMID: 10914684, 10924277, 20447155, 23430515). This variant is also known as IVS3+5G>A. ClinVar contains an entry for this variant (Variation ID: 95529). Variants that disrupt the consensus splice site are a relatively common cause of aberrant splicing (PMID: 17576681, 9536098). Studies have shown that this variant results in skipping of exon 3, but is expected to preserve the integrity of the reading-frame (PMID: 10924277). For these reasons, this variant has been classified as Pathogenic.

Variantyx, Inc.
Classification: Pathogenic for ALG6-congenital disorder of glycosylation 1C. Last evaluated: 2025-12-12. Review status: criteria provided, single submitter. Criteria: Variantyx Assertion Criteria 2022. Collection method: clinical testing. Allele origin: maternal. Inheritance: Autosomal recessive inheritance. Affected: no.
Comment: Pathogenic variants in this gene have been associated with autosomal recessive congenital disorder of glycosylation type Ic. This variant has been reported in the homozygous or compound heterozygous state in at least 5 unrelated affected individuals (PMID:10924277, 10914684, 20447155, 27959697, 35279850). The alteation results in an alternatively spliced form of the ALG6 mRNA by skipping exon 3 and is expected to result in loss of function, which is a known disease mechanism for ALG6 in this disorder (PMID: 10924277, 10914684) (PVS1). Functional studies have shown that this variant alters ALG6 protein function (PMID: 10924277, 10914684) (PS3). This variant has a 0.1223% maximum allele frequency in non-founder control populations. Based on the current evidence, this variant is classified as pathogenic for autosomal recessive congenital disorder of glycosylation type Ic.

Natera, Inc.
Classification: Pathogenic for Congenital disorder of glycosylation type 1c. Last evaluated: 2025-08-08. Review status: criteria provided, single submitter. Criteria: Natera Variant Classification Schema (03/2026). Collection method: clinical testing. Allele origin: germline.
Comment: The c.257+5G>A variant in ALG6 is an intronic variant located outside the canonical splice sites. This variant has been observed in one or more individuals affected with the associated recessive disease, as either homozygous or compound heterozygous with a second variant (PMID: 23430515). Additionally, this variant has been observed to segregate in affected family members (PMID: 23430515). Given the available evidence, this variant is classified as Pathogenic.

Mayo Clinic Laboratories, Mayo Clinic
Classification: Pathogenic. Last evaluated: 2025-08-05. Review status: criteria provided, single submitter. Criteria: ACMG Guidelines, 2015. Collection method: clinical testing. Allele origin: germline. Observed: 1 variant allele.
Comment: PP4, PM3_very_strong, PS3, PVS1_moderate

Blueprint Genetics
Classification: Pathogenic for ALG6-related disorders. Last evaluated: 2024-11-06. Review status: criteria provided, single submitter. Criteria: ACMG Guidelines, 2015. Collection method: clinical testing. Allele origin: germline. Affected: yes. Observed: 5 variant alleles.

Fulgent Genetics
Classification: Pathogenic for ALG6-congenital disorder of glycosylation 1C. Last evaluated: 2024-05-08. Review status: criteria provided, single submitter. Criteria: ACMG Guidelines, 2015. Collection method: clinical testing. Allele origin: germline.

GeneDx
Classification: Pathogenic. Last evaluated: 2023-08-31. Review status: criteria provided, single submitter. Criteria: GeneDx Variant Classification Process June 2021. Collection method: clinical testing. Allele origin: germline. Affected: yes.
Comment: Functional studies indicate that c.257+5G>A (reported using alternate nomenclature IVS3+5G>A) transfected cells produce a nonfunctional enzyme that is unable to restore normal glycosylation in a yeast strain lacking functional ALG6 (Westphal et al., 2000); Intronic +5 splice site variant in a gene for which loss of function is a known mechanism of disease, and both splice predictors and evolutionary conservation support a deleterious effect, although in the absence of functional evidence the actual effect of this sequence change is unknown.; This variant is associated with the following publications: (PMID: 21541726, 23430515, 20447155, 10914684, 27959697, 10924277, 27287710, 31980526, 31589614, 35279850, 36756224)

Women's Health and Genetics/Laboratory Corporation of America, LabCorp
Classification: Pathogenic for ALG6-congenital disorder of glycosylation 1C. Last evaluated: 2023-02-17. Review status: criteria provided, single submitter. Criteria: LabCorp Variant Classification Summary - May 2015. Collection method: clinical testing. Allele origin: germline.
Comment: Variant summary: ALG6 c.257+5G>A alters a conserved nucleotide located close to a canonical splice site and therefore could affect mRNA splicing, leading to a significantly altered protein sequence. Several computational tools predict a significant impact on normal splicing, including three that predict the variant abolishes a canonical 5' splicing donor site. At least one publication reports experimental evidence that this variant affects mRNA splicing, resulting in a skipping of exon 3 (Imbach_2000). The variant allele was found at a frequency of 0.00047 in 250774 control chromosomes. This frequency is not significantly higher than estimated for a pathogenic variant in ALG6 causing Congenital Disorder Of Glycosylation Type 1C (0.00047 vs 0.0011), allowing no conclusion about variant significance. c.257+5G>A has been reported in the literature in multiple compound heterozygous individuals affected with Congenital Disorder Of Glycosylation (Abu Bakkar_2022, Imbach_2000, Morava_2016, Westphal_2000), some of whom were reported to have other (likely) pathogenic variants of ALG6 in trans. These data indicate that the variant is very likely to be associated with disease. One publication reports experimental evidence evaluating the effect of transforming ALG6 missing exon 3 in an alg6-deficient strain of S. cerevisiae, finding that it is unable restore glycosylation activity (Westphal_2000). 12 submitters have provided clinical-significance assessments for this variant to ClinVar after 2014, and all classified the variant as pathogenic/likely pathogenic. Based on the evidence outlined above, the variant was classified as pathogenic.

Department of Pathology and Laboratory Medicine, Sinai Health System
Classification: Pathogenic for ALG6-congenital disorder of glycosylation 1C. Last evaluated: 2022-09-27. Review status: criteria provided, single submitter. Criteria: ACMG Guidelines, 2015. Collection method: research. Allele origin: germline.

Myriad Genetics, Inc.
Classification: Likely pathogenic for ALG6-congenital disorder of glycosylation 1C. Last evaluated: 2021-10-01. Review status: criteria provided, single submitter. Criteria: Myriad Women's Health Autosomal Recessive and X-Linked Classification Criteria (2021). Collection method: clinical testing. Allele origin: unknown.
Comment: NM_013339.3(ALG6):c.257+5G>A is an intronic variant classified as likely pathogenic in the context of congenital disorder of glycosylation type Ic. c.257+5G>A has been observed in cases with relevant disease (PMID: 27287710, 27959697). Functional assessments of this variant are available in the literature (PMID: 10924277, 10914684). c.257+5G>A has been observed in population frequency databases (gnomAD: NFE 0.09%). In summary, NM_013339.3(ALG6):c.257+5G>A is an intronic variant that has functional support for pathogenicity and has been observed more frequently in cases with the relevant disease than in healthy populations. Please note: this variant was assessed in the context of healthy population screening.​

NM_013339.4(ALG6):c.257+5G>A

Gene: ALG6 (ALG6 alpha-1,3-glucosyltransferase; plus strand). Cytogenetic location: 1p31.3.
Variant type: single nucleotide variant.
Coding change: c.257+5G>A on transcript NM_013339.4 (MANE Select); 5 bases into the intron after coding-DNA position 257, G replaced by A.
Molecular consequence: intron variant.
Genome position (GRCh38, 1-based): chr1:63,402,348, G>A. VCF-style: chr1-63402348-G-A. GRCh37 (hg19) VCF-style: chr1-63868019-G-A.
Other names: c.257+5G>A (LRG_1260t1).
Identifiers: ClinVar variation 95529 (VCV000095529.54), dbSNP rs199682486, ClinGen allele CA223057.